The following is an entry in ClinVar:

NM_001211.6(BUB1B):c.554C>G (p.Pro185Arg)

Gene: BUB1B (BUB1 mitotic checkpoint serine/threonine kinase B; plus strand). Cytogenetic location: 15q15.1.
Variant type: single nucleotide variant.
Coding change: c.554C>G on transcript NM_001211.6 (MANE Select); coding-DNA position 554, C replaced by G.
Protein change: p.Pro185Arg; replaces proline 185 with arginine.
Molecular consequence: missense variant.
Genome position (GRCh38, 1-based): chr15:40,176,646, C>G. VCF-style: chr15-40176646-C-G. GRCh37 (hg19) VCF-style: chr15-40468847-C-G.
Other names: short protein forms P185R.
Identifiers: ClinVar variation 3483198 (VCV003483198.1).

ClinVar aggregate classification (germline): Uncertain significance (1 of 4 stars; one submission).

Conditions:
Inborn genetic diseases. Identifiers: MedGen C0950123, MeSH D030342.

Submission:

Ambry Genetics
Classification: Uncertain significance for Inborn genetic diseases. Last evaluated: 2024-09-19. Review status: criteria provided, single submitter. Criteria: Ambry Variant Classification Scheme 2023. Collection method: clinical testing. Allele origin: germline.
Comment: The p.P185R variant (also known as c.554C>G), located in coding exon 5 of the BUB1B gene, results from a C to G substitution at nucleotide position 554. The proline at codon 185 is replaced by arginine, an amino acid with dissimilar properties. This amino acid position is conserved. In addition, this alteration is predicted to be deleterious by in silico analysis. Based on the available evidence, the clinical significance of this variant remains unclear.